The following is an entry in ClinVar:

NM_001277115.2(DNAH11):c.13175C>T (p.Thr4392Met)

Gene: DNAH11 (dynein axonemal heavy chain 11; plus strand). Cytogenetic location: 7p15.3.
Variant type: single nucleotide variant.
Coding change: c.13175C>T on transcript NM_001277115.2 (MANE Select); coding-DNA position 13175, C replaced by T.
Protein change: p.Thr4392Met; replaces threonine 4392 with methionine.
Molecular consequence: missense variant.
Genome position (GRCh38, 1-based): chr7:21,899,992, C>T. VCF-style: chr7-21899992-C-T. GRCh37 (hg19) VCF-style: chr7-21939610-C-T.
Other names: short protein forms T4392M.
Identifiers: ClinVar variation 1512584 (VCV001512584.28), dbSNP rs181603431, ClinGen allele CA4183357.

ClinVar aggregate classification (germline): Conflicting classifications of pathogenicity. Review status: criteria provided, conflicting classifications (1 of 4 stars). 4 submissions from 4 submitters: Uncertain significance (3); Likely benign (1). Last evaluated 2023-12-01.

Conditions:
Primary ciliary dyskinesia. Also called: Ciliary dyskinesia. Identifiers: Orphanet 244, MedGen C0008780, MONDO:0016575, HP:0012265.
Primary ciliary dyskinesia 7. Also called: CILIARY DYSKINESIA, PRIMARY, 7, WITH OR WITHOUT SITUS INVERSUS. Identifiers: Orphanet 244, MedGen C2678473, MONDO:0012748, OMIM 611884.

Allele frequency attached by ClinVar (database versions not stated): gnomAD 0.00007 and 0.00009; TOPMed 0.00012; 1000 Genomes Project 0.00060; 1000 Genomes Project 30x 0.00078.
gnomAD v4.1: 126 of 1,613,880 alleles (0.0078%); highest among the groups gnomAD compares: East Asian, 0.08%; 1 homozygote.

Submissions (4):

CeGaT Center for Human Genetics Tuebingen
Classification: Uncertain significance. Last evaluated: 2023-12-01. Review status: criteria provided, single submitter. Criteria: CeGaT Center For Human Genetics Tuebingen Variant Classification Criteria Version 2. Collection method: clinical testing. Allele origin: germline. Affected: yes. Observed: 1 variant allele.
Comment: DNAH11: PM3, PM2:Supporting, PP4, BP4

Labcorp Genetics (formerly Invitae), Labcorp
Classification: Uncertain significance for Primary ciliary dyskinesia. Last evaluated: 2022-10-25. Review status: criteria provided, single submitter. Criteria: Invitae Variant Classification Sherloc (09022015). Collection method: clinical testing. Allele origin: germline.
Comment: This sequence change replaces threonine, which is neutral and polar, with methionine, which is neutral and non-polar, at codon 4392 of the DNAH11 protein (p.Thr4392Met). This variant is present in population databases (rs181603431, gnomAD 0.2%). This missense change has been observed in individual(s) with primary ciliary dyskinesia (PMID: 26909801). ClinVar contains an entry for this variant (Variation ID: 1512584). Advanced modeling of protein sequence and biophysical properties (such as structural, functional, and spatial information, amino acid conservation, physicochemical variation, residue mobility, and thermodynamic stability) performed at Invitae indicates that this missense variant is not expected to disrupt DNAH11 protein function. In summary, the available evidence is currently insufficient to determine the role of this variant in disease. Therefore, it has been classified as a Variant of Uncertain Significance.

Fulgent Genetics
Classification: Uncertain significance for Primary ciliary dyskinesia 7. Last evaluated: 2022-04-26. Review status: criteria provided, single submitter. Criteria: ACMG Guidelines, 2015. Collection method: clinical testing. Allele origin: unknown.

Ambry Genetics
Classification: Likely benign for Primary ciliary dyskinesia. Last evaluated: 2015-09-03. Review status: criteria provided, single submitter. Criteria: Ambry Variant Classification Scheme 2023. Collection method: clinical testing. Allele origin: germline.

Literature cited by the submitters: PubMed 26909801 (cited by Labcorp Genetics (formerly Invitae), Labcorp).